The following is an entry in ClinVar:

NM_000168.6(GLI3):c.1991C>A (p.Ser664Ter)

Gene: GLI3 (GLI family zinc finger 3; minus strand). Cytogenetic location: 7p14.1.
Variant type: single nucleotide variant.
Coding change: c.1991C>A on transcript NM_000168.6 (MANE Select); coding-DNA position 1991, C replaced by A.
Protein change: p.Ser664Ter; replaces serine 664 with a stop codon.
Molecular consequence: nonsense.
Genome position (GRCh38, 1-based): chr7:41,972,449, G>T on the plus strand (C>A on the coding strand, the complement: GLI3 is on the minus strand). VCF-style: chr7-41972449-G-T. GRCh37 (hg19) VCF-style: chr7-42012048-G-T.
Other names: short protein forms S664*.
Identifiers: ClinVar variation 3040533 (VCV003040533.2), dbSNP rs780256503, ClinGen allele CA367322130.

ClinVar aggregate classification (germline): Likely pathogenic (0 of 4 stars; one submission).

Conditions:
GLI3-related disorder. Also called: GLI3-related disorders; GLI3-related condition. Identifiers: MedGen CN239292.

Submission:

PreventionGenetics, part of Exact Sciences
Classification: Likely pathogenic for GLI3-related condition. Last evaluated: 2024-01-15. Review status: no assertion criteria provided. Collection method: clinical testing. Allele origin: germline.
Comment: The GLI3 c.1991C>A variant is predicted to result in premature protein termination (p.Ser664*). To our knowledge, this variant has not been reported in the literature or in a large population database, indicating this variant is rare. Nonsense variants in GLI3 are expected to be pathogenic. This variant is interpreted as likely pathogenic.